The following is an entry in ClinVar:

ClinVar aggregate classification (germline): Pathogenic (1 of 4 stars; one submission).

Submission:

Labcorp Genetics (formerly Invitae), Labcorp
Classification: Pathogenic. Last evaluated: 2023-10-24. Review status: criteria provided, single submitter. Criteria: Invitae Variant Classification Sherloc (09022015). Collection method: clinical testing. Allele origin: germline.
Comment: This sequence change creates a premature translational stop signal (p.Tyr652*) in the TGM1 gene. It is expected to result in an absent or disrupted protein product. Loss-of-function variants in TGM1 are known to be pathogenic (PMID: 18948357, 19241467). This variant is not present in population databases (gnomAD no frequency). This variant has not been reported in the literature in individuals affected with TGM1-related conditions. ClinVar contains an entry for this variant (Variation ID: 1454166). For these reasons, this variant has been classified as Pathogenic.

Literature cited by the submitters: PubMed 18948357; PubMed 19241467.

NM_000359.3(TGM1):c.1956C>A (p.Tyr652Ter)

Gene: TGM1 (transglutaminase 1; minus strand). Cytogenetic location: 14q12.
Variant type: single nucleotide variant.
Coding change: c.1956C>A on transcript NM_000359.3 (MANE Select); coding-DNA position 1956, C replaced by A.
Protein change: p.Tyr652Ter; replaces tyrosine 652 with a stop codon.
Molecular consequence: nonsense.
Genome position (GRCh38, 1-based): chr14:24,254,796, G>T on the plus strand (C>A on the coding strand, the complement: TGM1 is on the minus strand). VCF-style: chr14-24254796-G-T. GRCh37 (hg19) VCF-style: chr14-24724002-G-T.
Other names: short protein forms Y652*.
Identifiers: ClinVar variation 1454166 (VCV001454166.7), dbSNP rs1380808560, ClinGen allele CA389248487.
Genomic context (GRCh38, chr14:24,254,796, plus strand): 5'-GTGGCCTGAGACATTGAGCAGCATGGCCCCCTGGTCCACAAGATGGGGCCGGTATTCCTT[G>T]TAGGCCACTGGCATGGTCACACGGTCCGCTGTGGAGAAGAGGCATGGCGTCACTGAGGCC-3'